The following is an entry in ClinVar:

NM_002049.4(GATA1):c.1043A>C (p.Glu348Ala)

Gene: GATA1 (GATA binding protein 1; plus strand). Cytogenetic location: Xp11.23.
Variant type: single nucleotide variant.
Coding change: c.1043A>C on transcript NM_002049.4 (MANE Select); coding-DNA position 1043, A replaced by C.
Protein change: p.Glu348Ala; replaces glutamic acid 348 with alanine.
Molecular consequence: missense variant.
Genome position (GRCh38, 1-based): chrX:48,793,965, A>C. VCF-style: chrX-48793965-A-C. GRCh37 (hg19) VCF-style: chrX-48652372-A-C.
Other names: short protein forms E348A.
Identifiers: ClinVar variation 2156663 (VCV002156663.4), dbSNP rs2519346686, ClinGen allele CA412871827.
Genomic context (GRCh38, chrX:48,793,965, plus strand): 5'-AAGGACCAGCTGGTGGCTTTATGGTGGTGGCTGGGGGCAGCGGTAGCGGGAATTGTGGGG[A>C]GGTGGCTTCAGGCCTGACACTGGGCCCCCCAGGTACTGCCCATCTCTACCAAGGCCTGGG-3'
Protein context (NP_002040.1, residues 338-358): AGGSGSGNCG[Glu348Ala]VASGLTLGPP

ClinVar aggregate classification (germline): Uncertain significance (1 of 4 stars; one submission).

Conditions:
GATA binding protein 1 related thrombocytopenia with dyserythropoiesis. Also called: GATA1-Related X-Linked Cytopenia; GATA1-Related Cytopenia. Identifiers: MedGen C1845837, MONDO:0100089.
Diamond-Blackfan anemia. Also called: Blackfan Diamond syndrome; Aregenerative anemia chronic congenital; Red cell aplasia, pure hereditary; Congenital hypoplastic anemia; Aase syndrome. Identifiers: Orphanet 124, MedGen C1260899, MeSH D029503, MONDO:0015253, HP:0004810.

Submission:

Labcorp Genetics (formerly Invitae), Labcorp
Classification: Uncertain significance for GATA binding protein 1 related thrombocytopenia with dyserythropoiesis; Diamond-Blackfan anemia. Last evaluated: 2022-12-13. Review status: criteria provided, single submitter. Criteria: Invitae Variant Classification Sherloc (09022015). Collection method: clinical testing. Allele origin: germline.
Comment: In summary, the available evidence is currently insufficient to determine the role of this variant in disease. Therefore, it has been classified as a Variant of Uncertain Significance. Advanced modeling of protein sequence and biophysical properties (such as structural, functional, and spatial information, amino acid conservation, physicochemical variation, residue mobility, and thermodynamic stability) performed at Invitae indicates that this missense variant is not expected to disrupt GATA1 protein function. This variant has not been reported in the literature in individuals affected with GATA1-related conditions. This variant is not present in population databases (gnomAD no frequency). This sequence change replaces glutamic acid, which is acidic and polar, with alanine, which is neutral and non-polar, at codon 348 of the GATA1 protein (p.Glu348Ala).